The following is an entry in ClinVar:

NM_005585.5(SMAD6):c.481G>T (p.Ala161Ser)

Gene: SMAD6 (SMAD family member 6; plus strand). Cytogenetic location: 15q22.31.
Variant type: single nucleotide variant.
Coding change: c.481G>T on transcript NM_005585.5 (MANE Select); coding-DNA position 481, G replaced by T.
Protein change: p.Ala161Ser; replaces alanine 161 with serine.
Molecular consequence: missense variant. On other transcripts: non-coding transcript variant (1).
Genome position (GRCh38, 1-based): chr15:66,703,739, G>T. VCF-style: chr15-66703739-G-T. GRCh37 (hg19) VCF-style: chr15-66996077-G-T.
Other names: c.481G>T (NM_005585.4); short protein forms A161S.
Identifiers: ClinVar variation 2856315 (VCV002856315.4), dbSNP rs991473623, ClinGen allele CA271683026.

ClinVar aggregate classification (germline): Uncertain significance. Review status: criteria provided, multiple submitters, no conflicts (2 of 4 stars). 2 submissions from 2 submitters: Uncertain significance (2). Last evaluated 2024-08-14.

Conditions:
Aortic valve disease 2 (AOVD2). Identifiers: MedGen C3542024, MONDO:0013902, OMIM 614823.
Inborn genetic diseases. Identifiers: MedGen C0950123, MeSH D030342.

Allele frequency attached by ClinVar (database versions not stated): gnomAD 0.00003; TOPMed 0.00005.
gnomAD v4.1: 8 of 1,375,786 alleles (0.00058%); highest among the groups gnomAD compares: African/African-American, 0.012%; no homozygotes.

Submissions (2):

Labcorp Genetics (formerly Invitae), Labcorp
Classification: Uncertain significance for Aortic valve disease 2. Last evaluated: 2024-08-14. Review status: criteria provided, single submitter. Criteria: Invitae Variant Classification Sherloc (09022015). Collection method: clinical testing. Allele origin: germline.
Comment: This sequence change replaces alanine, which is neutral and non-polar, with serine, which is neutral and polar, at codon 161 of the SMAD6 protein (p.Ala161Ser). This variant is present in population databases (no rsID available, gnomAD 0.01%). This variant has not been reported in the literature in individuals affected with SMAD6-related conditions. Invitae Evidence Modeling of protein sequence and biophysical properties (such as structural, functional, and spatial information, amino acid conservation, physicochemical variation, residue mobility, and thermodynamic stability) indicates that this missense variant is not expected to disrupt SMAD6 protein function with a negative predictive value of 80%. In summary, the available evidence is currently insufficient to determine the role of this variant in disease. Therefore, it has been classified as a Variant of Uncertain Significance.

Ambry Genetics
Classification: Uncertain significance for Inborn genetic diseases. Last evaluated: 2024-01-04. Review status: criteria provided, single submitter. Criteria: Ambry Variant Classification Scheme 2023. Collection method: clinical testing. Allele origin: germline.